The following is an entry in ClinVar:

ClinVar aggregate classification (germline): Uncertain significance (1 of 4 stars; one submission).

Conditions:
Spermatogenic failure 18. Identifiers: MedGen C4539783, MONDO:0054615, OMIM 617576.
Ciliary dyskinesia, primary, 37 (CILD37). Also called: CILIARY DYSKINESIA, PRIMARY, 37, WITH OR WITHOUT SITUS INVERSUS. Identifiers: MedGen C4539798, MONDO:0033204, OMIM 617577.

Allele frequency attached by ClinVar (database versions not stated): TOPMed below 0.00001; gnomAD 0.00001; gnomAD exomes 0.00002 and 0.00008; ExAC 0.00018.
gnomAD v4.1: 44 of 1,612,834 alleles (0.0027%); highest among the groups gnomAD compares: Middle Eastern, 0.016%; no homozygotes.

Submission:

Labcorp Genetics (formerly Invitae), Labcorp
Classification: Uncertain significance for Ciliary dyskinesia, primary, 37; Spermatogenic failure 18. Last evaluated: 2023-07-09. Review status: criteria provided, single submitter. Criteria: Invitae Variant Classification Sherloc (09022015). Collection method: clinical testing. Allele origin: germline.
Comment: In summary, the available evidence is currently insufficient to determine the role of this variant in disease. Therefore, it has been classified as a Variant of Uncertain Significance. Advanced modeling of protein sequence and biophysical properties (such as structural, functional, and spatial information, amino acid conservation, physicochemical variation, residue mobility, and thermodynamic stability) performed at Invitae indicates that this missense variant is expected to disrupt DNAH1 protein function. ClinVar contains an entry for this variant (Variation ID: 1450049). This variant has not been reported in the literature in individuals affected with DNAH1-related conditions. This variant is present in population databases (rs748397704, gnomAD 0.02%). This sequence change replaces valine, which is neutral and non-polar, with methionine, which is neutral and non-polar, at codon 1349 of the DNAH1 protein (p.Val1349Met).

NM_015512.5(DNAH1):c.4045G>A (p.Val1349Met)

Gene: DNAH1 (dynein axonemal heavy chain 1; plus strand). Cytogenetic location: 3p21.1.
Variant type: single nucleotide variant.
Coding change: c.4045G>A on transcript NM_015512.5 (MANE Select); coding-DNA position 4045, G replaced by A.
Protein change: p.Val1349Met; replaces valine 1349 with methionine.
Molecular consequence: missense variant.
Genome position (GRCh38, 1-based): chr3:52,357,962, G>A. VCF-style: chr3-52357962-G-A. GRCh37 (hg19) VCF-style: chr3-52391978-G-A.
Other names: short protein forms V1349M.
Identifiers: ClinVar variation 1450049 (VCV001450049.8), dbSNP rs748397704, ClinGen allele CA2433786.